The following is an entry in ClinVar:

NM_001376.5(DYNC1H1):c.4454G>A (p.Arg1485His)

Gene: DYNC1H1 (dynein cytoplasmic 1 heavy chain 1; plus strand). Cytogenetic location: 14q32.31.
Variant type: single nucleotide variant.
Coding change: c.4454G>A on transcript NM_001376.5 (MANE Select); coding-DNA position 4454, G replaced by A.
Protein change: p.Arg1485His; replaces arginine 1485 with histidine.
Molecular consequence: missense variant.
Genome position (GRCh38, 1-based): chr14:102,001,593, G>A. VCF-style: chr14-102001593-G-A. GRCh37 (hg19) VCF-style: chr14-102467930-G-A.
Other names: c.4454G>A (NM_001376.4); short protein forms R1485H.
Identifiers: ClinVar variation 1513546 (VCV001513546.10), dbSNP rs1305558731, ClinGen allele CA391042528.
Genomic context (GRCh38, chr14:102,001,593, plus strand): 5'-AGATAAGAGAAGTGTGGAATACTTATGAACTAGACTTGGTTAATTATCAGAACAAGTGCC[G>A]CTTGATCCGTGGCTGGGATGACCTCTTCAACAAGGTCAAAGAACACATCAACAGCGTCTC-3'
Protein context (NP_001367.2, residues 1475-1495): LDLVNYQNKC[Arg1485His]LIRGWDDLFN

ClinVar aggregate classification (germline): Uncertain significance. Review status: criteria provided, multiple submitters, no conflicts (2 of 4 stars). 2 submissions from 2 submitters: Uncertain significance (2). Last evaluated 2026-09-09.

Conditions:
Charcot-Marie-Tooth disease axonal type 2O. Also called: CHARCOT-MARIE-TOOTH NEUROPATHY, AXONAL, TYPE 2O; CHARCOT-MARIE-TOOTH DISEASE, AXONAL, AUTOSOMAL DOMINANT, TYPE 2O; Charcot-Marie-Tooth disease, axonal, type 20; Charcot-Marie-Tooth Neuropathy Type 2O. Identifiers: Orphanet 284232, MedGen C3280220, MONDO:0013644, OMIM 614228.
DYNC1H1-related disorder. Also called: DYNC1H1-related disorders; DYNC1H1-related condition. Identifiers: MedGen CN381529.

Allele frequency attached by ClinVar (database versions not stated): TOPMed 0.00001; gnomAD exomes below 0.00001 and 0.00001; gnomAD 0.00001.
gnomAD v4.1: 11 of 1,614,028 alleles (0.00068%); highest among the groups gnomAD compares: African/African-American, 0.0027%; no homozygotes.

Submissions (2):

PreventionGenetics, part of Exact Sciences
Classification: Uncertain significance for DYNC1H1-related condition. Last evaluated: 2026-09-09. Review status: criteria provided, single submitter. Criteria: ACMG Guidelines, 2015. Collection method: clinical testing. Allele origin: germline.
Comment: The DYNC1H1 c.4454G>A variant is predicted to result in the amino acid substitution p.Arg1485His. To our knowledge, this variant has not been reported in the literature. This variant is reported in 0.0062% of alleles in individuals of African descent in gnomAD. Although we suspect that this variant may be benign, at this time, the clinical significance of this variant is uncertain due to the absence of conclusive functional and genetic evidence.

Labcorp Genetics (formerly Invitae), Labcorp
Classification: Uncertain significance for Charcot-Marie-Tooth disease axonal type 2O. Last evaluated: 2025-04-17. Review status: criteria provided, single submitter. Criteria: Invitae Variant Classification Sherloc (09022015). Collection method: clinical testing. Allele origin: germline.
Comment: This sequence change replaces arginine, which is basic and polar, with histidine, which is basic and polar, at codon 1485 of the DYNC1H1 protein (p.Arg1485His). This variant is present in population databases (no rsID available, gnomAD 0.007%). This variant has not been reported in the literature in individuals affected with DYNC1H1-related conditions. ClinVar contains an entry for this variant (Variation ID: 1513546). Invitae Evidence Modeling of protein sequence and biophysical properties (such as structural, functional, and spatial information, amino acid conservation, physicochemical variation, residue mobility, and thermodynamic stability) has been performed for this missense variant. However, the output from this modeling did not meet the statistical confidence thresholds required to predict the impact of this variant on DYNC1H1 protein function. In summary, the available evidence is currently insufficient to determine the role of this variant in disease. Therefore, it has been classified as a Variant of Uncertain Significance.